The following is an entry in ClinVar:

ClinVar aggregate classification (germline): Conflicting classifications of pathogenicity. Review status: criteria provided, conflicting classifications (1 of 4 stars). 6 submissions from 6 submitters: Uncertain significance (5); Likely benign (1). Last evaluated 2026-01-20.

Conditions:
Inborn genetic diseases. Identifiers: MedGen C0950123, MeSH D030342.
Myopathy, proximal, and ophthalmoplegia (CMYO6). Also called: MYOPATHY WITH CONGENITAL JOINT CONTRACTURES, OPHTHALMOPLEGIA, AND RIMMED VACUOLES; INCLUSION BODY MYOPATHY 3, AUTOSOMAL DOMINANT; CONGENITAL MYOPATHY 6 WITH OPHTHALMOPLEGIA. Identifiers: Orphanet 363677, Orphanet 79091, MedGen C1854106, MONDO:0011577, OMIM 605637.

Allele frequency attached by ClinVar (database versions not stated): 1000 Genomes Project 30x 0.00016; 1000 Genomes Project 0.00020; gnomAD exomes 0.00057 and 0.00096; gnomAD 0.00061 and 0.00063; TOPMed 0.00065; ESP Exome Variant Server 0.00069; ExAC 0.00070.
gnomAD v4.1: 1,487 of 1,613,998 alleles (0.092%); highest among the groups gnomAD compares: Non-Finnish European, 0.12%; 1 homozygote.

Submissions (6):

Labcorp Genetics (formerly Invitae), Labcorp
Classification: Likely benign for Myopathy, proximal, and ophthalmoplegia. Last evaluated: 2026-01-20. Review status: criteria provided, single submitter. Criteria: Invitae Variant Classification Sherloc (09022015). Collection method: clinical testing. Allele origin: germline.

Ambry Genetics
Classification: Uncertain significance for Inborn genetic diseases. Last evaluated: 2025-01-22. Review status: criteria provided, single submitter. Criteria: Ambry Variant Classification Scheme 2023. Collection method: clinical testing. Allele origin: germline.

GeneDx
Classification: Uncertain significance. Last evaluated: 2023-12-06. Review status: criteria provided, single submitter. Criteria: GeneDx Variant Classification Process June 2021. Collection method: clinical testing. Allele origin: germline. Affected: yes.
Comment: In silico analysis supports that this missense variant has a deleterious effect on protein structure/function; Has not been previously published as pathogenic or benign to our knowledge

Revvity Omics, Revvity
Classification: Uncertain significance for Myopathy, proximal, and ophthalmoplegia. Last evaluated: 2021-12-05. Review status: criteria provided, single submitter. Criteria: ACMG Guidelines, 2015. Collection method: clinical testing. Allele origin: germline.

Department of Pathology and Laboratory Medicine, Sinai Health System
Classification: Uncertain significance for Myopathy, proximal, and ophthalmoplegia. Last evaluated: 2021-07-30. Review status: criteria provided, single submitter. Criteria: ACMG Guidelines, 2015. Collection method: research. Allele origin: germline.

Mayo Clinic Laboratories, Mayo Clinic
Classification: Uncertain significance. Last evaluated: 2020-07-09. Review status: criteria provided, single submitter. Criteria: ACMG Guidelines, 2015. Collection method: clinical testing. Allele origin: germline. Observed: 1 variant allele.

NM_017534.6(MYH2):c.3884G>A (p.Arg1295His)

Genes: MYH2 (myosin heavy chain 2; minus strand), MYHAS (myosin heavy chain gene cluster antisense RNA; plus strand). Cytogenetic location: 17p13.1.
Variant type: single nucleotide variant.
Coding change: c.3884G>A on transcript NM_017534.6 (MANE Select); coding-DNA position 3884, G replaced by A.
Protein change: p.Arg1295His; replaces arginine 1295 with histidine.
Molecular consequence: missense variant.
Genome position (GRCh38, 1-based): chr17:10,527,044, C>T on the plus strand (G>A on the coding strand, the complement: MYH2 is on the minus strand). VCF-style: chr17-10527044-C-T. GRCh37 (hg19) VCF-style: chr17-10430361-C-T.
Other names: c.3884G>A, p.Arg1295His (NM_001100112.2); short protein forms R1295H.
Identifiers: ClinVar variation 658428 (VCV000658428.24), dbSNP rs143341678, ClinGen allele CA8390778.
Genomic context (GRCh38, chr17:10,527,044, plus strand): 5'-GTAAAGGCTTGTTTGCCTCTTGATAACTGAGACACCAGAGCTTCCTTTTCATCAAGCTGG[C>T]GTGAAAACTCACCTGATGGACAAAAGAAATGGCACCATTTTTTAGGTGAAAAACAAGATT-3'
Protein context (NP_060004.3, residues 1285-1305): RLQTESGEFS[Arg1295His]QLDEKEALVS